The following is an entry in ClinVar:

NM_013322.3(SNX10):c.25-3869G>A

Gene: SNX10 (sorting nexin 10; plus strand). Cytogenetic location: 7p15.2.
Variant type: single nucleotide variant.
Coding change: c.25-3869G>A on transcript NM_013322.3 (MANE Select); 3869 bases into the intron before coding-DNA position 25, G replaced by A.
Molecular consequence: intron variant. On other transcripts: synonymous variant (3).
Genome position (GRCh38, 1-based): chr7:26,357,106, G>A. VCF-style: chr7-26357106-G-A. GRCh37 (hg19) VCF-style: chr7-26396726-G-A.
Other names: c.81G>A, p.Ala27= (NM_001318198.1, NM_001362753.1, NM_001362754.1); c.25-3869G>A (NM_001199835.1, NM_001318199.3).
Identifiers: ClinVar variation 3041611 (VCV003041611.3), dbSNP rs779269126, ClinGen allele CA4195148.

ClinVar aggregate classification (germline): Likely benign. Review status: criteria provided, single submitter (1 of 4 stars). 2 submissions from 2 submitters: Likely benign (1). 1 of the submissions does not count toward it. Last evaluated 2024-11-26.

Conditions:
SNX10-related disorder. Also called: SNX10-related condition.

Allele frequency attached by ClinVar (database versions not stated): ExAC 0.00008; gnomAD exomes 0.00011; TOPMed 0.00011; gnomAD 0.00013.
gnomAD v4.1: 128 of 1,112,840 alleles (0.012%); highest among the groups gnomAD compares: Middle Eastern, 0.024%; no homozygotes.

Submissions (2):

Blueprint Genetics
Classification: Likely benign. Last evaluated: 2024-11-26. Review status: criteria provided, single submitter. Criteria: ACMG Guidelines, 2015. Collection method: clinical testing. Allele origin: germline.

PreventionGenetics, part of Exact Sciences
Classification: Likely benign for SNX10-related condition. Last evaluated: 2019-05-21. Review status: no assertion criteria provided. Collection method: clinical testing. Allele origin: germline. Not counted in ClinVar's aggregate classification.
Comment: This variant is classified as likely benign based on ACMG/AMP sequence variant interpretation guidelines (Richards et al. 2015 PMID: 25741868, with internal and published modifications).